The following is an entry in ClinVar:

NM_016239.4(MYO15A):c.7894-17_7894-16delinsGG

Gene: MYO15A (myosin XVA; plus strand). Cytogenetic location: 17p11.2.
Variant type: Indel.
Coding change: c.7894-17_7894-16delinsGG on transcript NM_016239.4 (MANE Select); 17 bases into the intron before coding-DNA position 7894 through 16 bases into the intron before coding-DNA position 7894, TC replaced by GG.
Molecular consequence: intron variant.
Genome position (GRCh38, 1-based): chr17:18,152,095-18,152,096, TC replaced by GG. VCF-style: chr17-18152095-TC-GG. GRCh37 (hg19) VCF-style: chr17-18055409-TC-GG.
Identifiers: ClinVar variation 4730437 (VCV004730437.1).
Genomic context (GRCh38, chr17:18,152,095, plus strand): 5'-ATAAGCTGTGGCCCTGCCACTGCCCCTCCACAGGGCCTGCCTGTTGCCCCCTGAGCAGTC[TC>GG]TTTGGGGTGGGACAGGTGTCCAGAGAGGCCGTGGCCCTGGTGAAGCCGGTGACCAGTGCA-3'

ClinVar aggregate classification (germline): Uncertain significance (1 of 4 stars; one submission).

Submission:

Labcorp Genetics (formerly Invitae), Labcorp
Classification: Uncertain significance. Last evaluated: 2025-11-09. Review status: criteria provided, single submitter. Criteria: Invitae Variant Classification Sherloc (09022015). Collection method: clinical testing. Allele origin: germline.
Comment: This sequence change falls in intron 41 of the MYO15A gene. It does not directly change the encoded amino acid sequence of the MYO15A protein. Information on the frequency of this variant in the gnomAD database is not available, as this variant may be reported differently in the database. This variant has been observed in individual(s) with deafness (internal data). Experimental studies and prediction algorithms are not available or were not evaluated, and the effect of this variant on mRNA splicing is currently unknown. In summary, the available evidence is currently insufficient to determine the role of this variant in disease. Therefore, it has been classified as a Variant of Uncertain Significance.